The following is an entry in ClinVar:

ClinVar aggregate classification (germline): Uncertain significance. Review status: criteria provided, multiple submitters, no conflicts (2 of 4 stars). 2 submissions from 2 submitters: Uncertain significance (2). Last evaluated 2024-07-23.

Conditions:
Werner syndrome (WRN). Identifiers: Orphanet 902, MedGen C0043119, MONDO:0010196, OMIM 277700.

Allele frequency attached by ClinVar (database versions not stated): gnomAD exomes below 0.00001.
gnomAD v4.1: 1 of 1,613,934 alleles (0.000062%); highest among the groups gnomAD compares: Middle Eastern, 0.017%; no homozygotes.

Submissions (2):

Revvity Omics, Revvity
Classification: Uncertain significance for Werner syndrome. Last evaluated: 2024-07-23. Review status: criteria provided, single submitter. Criteria: ACMG Guidelines, 2015. Collection method: clinical testing. Allele origin: germline.

Labcorp Genetics (formerly Invitae), Labcorp
Classification: Uncertain significance for Werner syndrome. Last evaluated: 2022-05-27. Review status: criteria provided, single submitter. Criteria: Invitae Variant Classification Sherloc (09022015). Collection method: clinical testing. Allele origin: germline.
Comment: In summary, the available evidence is currently insufficient to determine the role of this variant in disease. Therefore, it has been classified as a Variant of Uncertain Significance. Algorithms developed to predict the effect of missense changes on protein structure and function are either unavailable or do not agree on the potential impact of this missense change (SIFT: "Not Available"; PolyPhen-2: "Possibly Damaging"; Align-GVGD: "Not Available"). This variant has not been reported in the literature in individuals affected with WRN-related conditions. This variant is not present in population databases (gnomAD no frequency). This sequence change replaces glycine, which is neutral and non-polar, with glutamic acid, which is acidic and polar, at codon 980 of the WRN protein (p.Gly980Glu).

NM_000553.6(WRN):c.2939G>A (p.Gly980Glu)

Gene: WRN (WRN RecQ like helicase; plus strand). Cytogenetic location: 8p12.
Variant type: single nucleotide variant.
Coding change: c.2939G>A on transcript NM_000553.6 (MANE Select); coding-DNA position 2939, G replaced by A.
Protein change: p.Gly980Glu; replaces glycine 980 with glutamic acid.
Molecular consequence: missense variant.
Genome position (GRCh38, 1-based): chr8:31,132,478, G>A. VCF-style: chr8-31132478-G-A. GRCh37 (hg19) VCF-style: chr8-30989994-G-A.
Other names: short protein forms G980E.
Identifiers: ClinVar variation 1920832 (VCV001920832.6), dbSNP rs2130377524, ClinGen allele CA370919203.